The following is an entry in ClinVar:

ClinVar aggregate classification (germline): Pathogenic. Review status: criteria provided, multiple submitters, no conflicts (2 of 4 stars). 17 submissions from 17 submitters: Pathogenic (15). 2 of the submissions do not count toward it. Last evaluated 2026-06-16.

Conditions:
PKD1-related disorder. Also called: PKD1-related condition.
Inborn genetic diseases. Identifiers: MedGen C0950123, MeSH D030342.
Renal cyst. Also called: Renal cysts; cystic kidneys; Cystic kidney disease. Identifiers: MedGen C3887499, MONDO:0002473, HP:0000107.
Autosomal dominant polycystic kidney disease. Identifiers: Orphanet 730, MedGen C0085413, MONDO:0004691.
Polycystic kidney disease, adult type (PKD1). Also called: Polycystic Kidney Disease 1, Autosomal Dominant; Polycystic kidney disease 1; Polycystic kidney disease 1, severe; POLYCYSTIC KIDNEY DISEASE, ADULT, TYPE I; Polycystic Kidney, Autosomal Dominant; POLYCYSTIC KIDNEY DISEASE 1 WITH OR WITHOUT POLYCYSTIC LIVER DISEASE. Identifiers: MedGen C3149841, MONDO:0008263, OMIM 173900.

Allele frequency attached by ClinVar (database versions not stated): gnomAD exomes below 0.00001.
gnomAD v4.1: 2 of 1,567,808 alleles (0.00013%); highest among the groups gnomAD compares: Non-Finnish European, 0.000086%; no homozygotes.

Submissions (17):

PreventionGenetics, part of Exact Sciences
Classification: Pathogenic for PKD1-related condition. Last evaluated: 2026-06-16. Review status: criteria provided, single submitter. Criteria: ACMG Guidelines, 2015. Collection method: clinical testing. Allele origin: germline.
Comment: The PKD1 c.6487C>T variant is predicted to result in premature protein termination (p.Arg2163*). This variant was reported individuals with autosomal dominant polycystic kidney disease (ADPKD) (see for example, Rossetti et al. 2001. PubMed ID: 11115377; Table S7, Groopman et al. 2018. PubMed ID: 30586318). This variant has not been reported in a large population database (gnomAD), indicating this variant is rare. Nonsense variants in PKD1 are expected to be pathogenic. This variant is interpreted as pathogenic.

Women's Health and Genetics/Laboratory Corporation of America, LabCorp
Classification: Pathogenic for Polycystic kidney disease, adult type. Last evaluated: 2025-05-01. Review status: criteria provided, single submitter. Criteria: LabCorp Variant Classification Summary - May 2015. Collection method: clinical testing. Allele origin: germline.
Comment: Variant summary: PKD1 c.6487C>T (p.Arg2163X) results in a premature termination codon, predicted to cause a truncation of the encoded protein or absence of the protein due to nonsense mediated decay, which are commonly known mechanisms for disease. The variant was absent in 181246 control chromosomes. c.6487C>T has been observed in individual(s) affected with Polycystic Kidney Disease 1 and segregation was established (example: Rossetti_2001). These data indicate that the variant is associated with disease. To our knowledge, no experimental evidence demonstrating an impact on protein function has been reported. The following publication have been ascertained in the context of this evaluation (PMID: 11115377). ClinVar contains an entry for this variant (Variation ID: 433972). Based on the evidence outlined above, the variant was classified as pathogenic.

Laboratory of Genetics, Children's Clinical University Hospital Latvia
Classification: Pathogenic. Last evaluated: 2025-02-16. Review status: criteria provided, single submitter. Criteria: ACMG Guidelines, 2015. Collection method: clinical testing. Allele origin: germline. Affected: yes.

Molecular Genetics, Royal Melbourne Hospital
Classification: Pathogenic for Autosomal dominant polycystic kidney disease. Last evaluated: 2024-10-03. Review status: criteria provided, single submitter. Criteria: ACMG Guidelines, 2015. Collection method: clinical testing. Allele origin: germline. Inheritance: Autosomal dominant inheritance. Affected: yes.
Comment: This sequence change in PKD1 is a nonsense variant predicted to create a premature stop codon, p.(Arg2163*), in biologically relevant exon 15/46 leading to nonsense-mediated decay in a gene in which loss-of-function is an established disease mechanism (PMID: 25491204, 24694054, 29529603). Loss-of-function variants are a well-established cause of disease in exon 15 (ClinVar). The highest population minor allele frequency in the population database gnomAD v4.1 is 0.00009% (1/1,157,320 alleles) in the European (non-Finnish) population, consistent with dominant disease. This variant has been reported in at least four unrelated probands with a clinical diagnosis of autosomal dominant polycystic kidney disease (PMID: 11115377, 22508176). Based on the classification scheme RMH Modified ACMG/AMP Guidelines v1.7.0, this variant is classified as PATHOGENIC. Following criteria are met: PVS1, PS4, PM2_Supporting, PM5_Supporting.

Ambry Genetics
Classification: Pathogenic for Inborn genetic diseases. Last evaluated: 2024-07-09. Review status: criteria provided, single submitter. Criteria: Ambry Variant Classification Scheme 2023. Collection method: clinical testing. Allele origin: germline.
Comment: The c.6487C>T (p.R2163*) alteration, located in exon 15 (coding exon 15) of the PKD1 gene, consists of a C to T substitution at nucleotide position 6487. This changes the amino acid from a arginine (R) to a stop codon at amino acid position 2163. This alteration is expected to result in loss of function by premature protein truncation or nonsense-mediated mRNA decay. This variant was not reported in population-based cohorts in the Genome Aggregation Database (gnomAD). This variant was reported in multiple individuals who met clinical criteria for autosomal dominant polycystic kidney disease (Audr&eacute;zet, 2012; Al-Muhanna, 2019; Ali, 2023). Based on the available evidence, this alteration is classified as pathogenic.

Fulgent Genetics
Classification: Pathogenic for Polycystic kidney disease, adult type. Last evaluated: 2024-05-24. Review status: criteria provided, single submitter. Criteria: ACMG Guidelines, 2015. Collection method: clinical testing. Allele origin: germline.

Clinical Genetics Laboratory, Skane University Hospital Lund
Classification: Pathogenic. Last evaluated: 2024-01-03. Review status: criteria provided, single submitter. Criteria: ACMG Guidelines, 2015. Collection method: clinical testing. Allele origin: germline. Affected: yes.

3billion
Classification: Pathogenic for Polycystic kidney disease, adult type. Last evaluated: 2023-02-23. Review status: criteria provided, single submitter. Criteria: ACMG Guidelines, 2015. Collection method: clinical testing. Allele origin: unknown. Affected: yes.
Comment: The variant is not observed in the gnomAD v2.1.1 dataset. This variant was predicted to result in a loss or disruption of normal protein function through nonsense-mediated decay (NMD) or protein truncation. Multiple pathogenic variants are reported downstream of the variant. The variant has been reported at least twice as pathogenic (ClinVar ID: VCV000433972 / PMID: 11115377). Therefore, this variant is classified as Pathogenic according to the recommendation of ACMG/AMP guideline.

Blueprint Genetics
Classification: Pathogenic for PKD1-related disorders. Last evaluated: 2022-12-27. Review status: criteria provided, single submitter. Criteria: ACMG Guidelines, 2015. Collection method: clinical testing. Allele origin: germline. Affected: yes. Observed: 4 variant alleles.

GeneDx
Classification: Pathogenic. Last evaluated: 2022-07-29. Review status: criteria provided, single submitter. Criteria: GeneDx Variant Classification Process June 2021. Collection method: clinical testing. Allele origin: germline. Affected: yes.
Comment: Nonsense variant predicted to result in protein truncation or nonsense mediated decay in a gene for which loss-of-function is a known mechanism of disease; Not observed at significant frequency in large population cohorts (gnomAD); This variant is associated with the following publications: (PMID: 30586318, 25525159, 11967008, 11115377, 31317121, 30816285, 22508176, 19515475, 31488014, 33168999)

Athena Diagnostics
Classification: Pathogenic. Last evaluated: 2021-12-22. Review status: criteria provided, single submitter. Criteria: Athena Diagnostics Criteria. Collection method: clinical testing. Allele origin: unknown.
Comment: This variant is expected to result in the loss of a functional protein. This variant was not reported in large, multi-ethnic, general populations. This variant has been identified in at least one individual with clinical features associated with this gene.

MGZ Medical Genetics Center
Classification: Pathogenic for Polycystic kidney disease, adult type. Last evaluated: 2021-08-06. Review status: criteria provided, single submitter. Criteria: ACMG Guidelines, 2015. Collection method: clinical testing. Allele origin: germline. Affected: yes. Observed: 1 variant allele.
Comment: ACMG criteria applied: PVS1, PS4_MOD, PM2_SUP

ARUP Laboratories, Molecular Genetics and Genomics, ARUP Laboratories
Classification: Pathogenic. Last evaluated: 2017-02-22. Review status: criteria provided, single submitter. Criteria: ARUP Molecular Germline Variant Investigation Process. Collection method: clinical testing. Allele origin: germline.

Equipe Genetique des Anomalies du Developpement, Université de Bourgogne
Classification: Pathogenic for Renal cyst. Review status: criteria provided, single submitter. Criteria: ACMG Guidelines, 2015. Collection method: clinical testing. Allele origin: unknown. Affected: yes.

Juno Genomics, Hangzhou Juno Genomics, Inc
Classification: Pathogenic for Polycystic kidney disease, adult type. Review status: criteria provided, single submitter. Criteria: ACMG Guidelines, 2015. Collection method: clinical testing. Allele origin: germline. Affected: yes.
Comment: Absent from controls (or at extremely low frequency if recessive) in Genome Aggregation Database.;Null variant in a gene where loss of function (LOF) is a known mechanism of disease.;The prevalence of the variant in affected individuals is significantly increased compared to the prevalence in controls.;Patient's phenotype or family history is highly specific for a disease with a single genetic etiology.

Gharavi Laboratory, Columbia University
Classification: Pathogenic. Last evaluated: 2018-09-16. Review status: no assertion criteria provided. Criteria: ACMG Guidelines, 2015. Collection method: research. Allele origin: germline. Affected: yes. Not counted in ClinVar's aggregate classification.

Department of Pathology and Laboratory Medicine, Sinai Health System
Classification: Pathogenic for Autosomal dominant polycystic kidney disease. Review status: no assertion criteria provided. Collection method: clinical testing. Allele origin: unknown. Affected: yes. Study: The Canadian Open Genetics Repository (COGR). Not counted in ClinVar's aggregate classification.
Comment: The PKD1 p.Arg2163X variant was identified in 4 of 1662 proband chromosomes (frequency: 0.002) from British and French individuals or families with ADPKD, segregating with the disease (Rossetti 2001, AudrâˆšÂ©zet 2012). The variant was identified in ADPKD Mutation Database with classification definitely pathogenic; and was not identified in dbSNP, Clinvitae, ClinVar, GeneInsight COGR, MutDB, ADPKD Mutation Database (classification), PKD1-LOVD, and PKD1-LOVD 3.0, 1000 Genomes Project, NHLBI GO Exome Sequencing Project, or the Exome Aggregation Consortium database (March 14, 2016). The p.Arg2163X variant leads to a premature stop codon at position 2163, which is predicted to lead to a truncated or absent protein and loss of function. Loss of function variants of the PKD1 gene are an established mechanism of disease in autosomal dominant polycystic kidney disease and is the type of variant expected to cause the disorder. In summary, based on the above information, this variant meets our laboratoryâ€šÃ„Ã´s criteria to be classified as pathogenic.

Literature cited by the submitters: PubMed 11115377 (cited by 4 submitters); PubMed 22508176 (cited by 3 submitters); PubMed 24694054 (cited by Molecular Genetics, Royal Melbourne Hospital); PubMed 25491204 (cited by Molecular Genetics, Royal Melbourne Hospital); PubMed 29529603 (cited by Molecular Genetics, Royal Melbourne Hospital); PubMed 31488014 (cited by Ambry Genetics); PubMed 36755831 (cited by Ambry Genetics); PubMed 19515475 (cited by Athena Diagnostics); PubMed 11967008 (cited by Athena Diagnostics).

NM_001009944.3(PKD1):c.6487C>T (p.Arg2163Ter)

Gene: PKD1 (polycystin 1, transient receptor potential channel interacting; minus strand). Cytogenetic location: 16p13.3.
Variant type: single nucleotide variant.
Coding change: c.6487C>T on transcript NM_001009944.3 (MANE Select); coding-DNA position 6487, C replaced by T.
Protein change: p.Arg2163Ter; replaces arginine 2163 with a stop codon.
Molecular consequence: nonsense.
Genome position (GRCh38, 1-based): chr16:2,108,680, G>A on the plus strand (C>T on the coding strand, the complement: PKD1 is on the minus strand). VCF-style: chr16-2108680-G-A. GRCh37 (hg19) VCF-style: chr16-2158681-G-A.
Other names: c.6487C>T, p.Arg2163Ter (NM_000296.4); short protein forms R2163*.
Identifiers: ClinVar variation 433972 (VCV000433972.26), dbSNP rs1555454411, ClinGen allele CA394373464.